The following is an entry in ClinVar:

ClinVar aggregate classification (germline): Pathogenic (1 of 4 stars; one submission).

Conditions:
Ataxia-telangiectasia syndrome (AT). Also called: LOUIS-BAR SYNDROME; Ataxia-telangiectasia, complementation group D; AT, COMPLEMENTATION GROUP C; Cerebello-oculocutaneous telangiectasia; Immunodeficiency with ataxia telangiectasia; ATAXIA-TELANGIECTASIA, COMPLEMENTATION GROUP A. Identifiers: Orphanet 100, MedGen C0004135, MONDO:0008840, OMIM 208900.

Submission:

Labcorp Genetics (formerly Invitae), Labcorp
Classification: Pathogenic for Ataxia-telangiectasia syndrome. Last evaluated: 2018-02-15. Review status: criteria provided, single submitter. Criteria: Invitae Variant Classification Sherloc (09022015). Collection method: clinical testing. Allele origin: germline.
Comment: For these reasons, this variant has been classified as Pathogenic. Loss-of-function variants in ATM are known to be pathogenic (PMID: 23807571, 25614872). A different variant (c.2426C>A) giving rise to the same protein effect observed here (p.Ser809*) has been reported in individuals affected with ATM-related disease (Invitae), indicating that this residue may be critical for protein function. This variant has not been reported in the literature in individuals with ATM-related disease. This variant is not present in population databases (ExAC no frequency). This sequence change creates a premature translational stop signal (p.Ser809*) in the ATM gene. It is expected to result in an absent or disrupted protein product.

Literature cited by the submitters: PubMed 23807571; PubMed 25614872.

NM_000051.4(ATM):c.2426del (p.Thr808_Ser809insTer)

Gene: ATM (ATM serine/threonine kinase; plus strand). Cytogenetic location: 11q22.3.
Variant type: Deletion.
Coding change: c.2426del on transcript NM_000051.4 (MANE Select); coding-DNA position 2426, one base deleted (C; older notation c.2426delC).
Protein change: p.Thr808_Ser809insTer.
Molecular consequence: nonsense.
Genome position (GRCh38, 1-based): chr11:108,259,035, C deleted. VCF-style (leftmost placement, unchanged base first): chr11-108259034-TC-T. GRCh37 (hg19) VCF-style: chr11-108129761-TC-T.
Other names: c.2426del, p.Thr808_Ser809insTer (NM_001351834.2).
Identifiers: ClinVar variation 1072259 (VCV001072259.9), dbSNP rs2135421629, ClinGen allele CA2499220590.
Genomic context (GRCh38, chr11:108,259,034, plus strand): 5'-TCTTAATTGCAGAAGAGTCCAAATAAGATTGCATCTGGCTTTTTCCTGCGATTGTTAACA[TC>T]AAAGCTAATGAATGACATTGCAGATATTTGTAAAAGTTTAGTAAGTATGCTTCCTGTTTT-3'